The following is an entry in ClinVar:

ClinVar aggregate classification (germline): Conflicting classifications of pathogenicity. Review status: criteria provided, conflicting classifications (1 of 4 stars). 8 submissions from 8 submitters: Uncertain significance (5); Benign (2); Likely benign (1). Last evaluated 2026-03-09.

Conditions:
Hereditary cancer-predisposing syndrome. Also called: Tumor predisposition; Hereditary neoplastic syndrome; Neoplastic Syndromes, Hereditary; Hereditary Cancer Syndrome. Identifiers: Orphanet 140162, MedGen C0027672, MeSH D009386, MONDO:0015356.
Tuberous sclerosis syndrome (TSC). Also called: Tuberous sclerosis; Tuberous Sclerosis Complex. Identifiers: Orphanet 805, MedGen C0041341, MONDO:0001734.
Tuberous sclerosis 1 (TSC1). Identifiers: Orphanet 805, MedGen C1854465, MONDO:0008612, OMIM 191100.

Allele frequency attached by ClinVar (database versions not stated): gnomAD 0.00001; TOPMed below 0.00001; ExAC 0.00001; gnomAD exomes 0.00002.
gnomAD v4.1: 37 of 1,613,344 alleles (0.0023%); highest among the groups gnomAD compares: Non-Finnish European, 0.0031%; no homozygotes.

Submissions (8):

Ambry Genetics
Classification: Benign for Hereditary cancer-predisposing syndrome. Last evaluated: 2026-03-09. Review status: criteria provided, single submitter. Criteria: Ambry Variant Classification Scheme 2023. Collection method: clinical testing. Allele origin: germline.

Labcorp Genetics (formerly Invitae), Labcorp
Classification: Benign for Tuberous sclerosis 1. Last evaluated: 2026-01-19. Review status: criteria provided, single submitter. Criteria: Invitae Variant Classification Sherloc (09022015). Collection method: clinical testing. Allele origin: germline.

All of Us Research Program, National Institutes of Health
Classification: Uncertain significance for Tuberous sclerosis syndrome. Last evaluated: 2024-07-20. Review status: criteria provided, single submitter. Criteria: ACMG Guidelines, 2015. Collection method: clinical testing. Allele origin: germline. Inheritance: Autosomal dominant inheritance. Observed: 2 variant alleles, 2 heterozygotes.
Comment: This missense variant replaces glutamic acid with lysine at codon 1044 of the TSC1 protein. Computational prediction suggests that this variant may not impact protein structure and function (internally defined REVEL score threshold <= 0.5, PMID: 27666373). To our knowledge, functional studies have not been reported for this variant. This variant has not been reported in individuals affected with TSC1-related disorders in the literature. This variant has not been identified in the general population by the Genome Aggregation Database (gnomAD). The available evidence is insufficient to determine the role of this variant in disease conclusively. Therefore, this variant is classified as a Variant of Uncertain Significance.

This study involves interpretation of variants in research participants for the purpose of population health screening. Participant phenotype was not available at the time of variant classification. Additional details can be found in publication PMID: 35346344, PMCID: PMC8962531

Color Diagnostics, LLC DBA Color Health
Classification: Uncertain significance for Tuberous sclerosis syndrome. Last evaluated: 2024-07-11. Review status: criteria provided, single submitter. Criteria: ACMG Guidelines, 2015. Collection method: clinical testing. Allele origin: germline.
Comment: This missense variant replaces glutamic acid with lysine at codon 1044 of the TSC1 protein. Computational prediction suggests that this variant may not impact protein structure and function. To our knowledge, functional studies have not been reported for this variant. This variant has not been reported in individuals affected with TSC1-related disorders in the literature. This variant has not been identified in the general population by the Genome Aggregation Database (gnomAD). The available evidence is insufficient to determine the role of this variant in disease conclusively. Therefore, this variant is classified as a Variant of Uncertain Significance.

Genome-Nilou Lab
Classification: Likely benign for Tuberous sclerosis 1. Last evaluated: 2021-11-07. Review status: criteria provided, single submitter. Criteria: ACMG Guidelines, 2015. Collection method: clinical testing. Allele origin: germline. Affected: no.

Sema4
Classification: Uncertain significance for Hereditary cancer-predisposing syndrome. Last evaluated: 2021-07-07. Review status: criteria provided, single submitter. Criteria: Sema4 Curation Guidelines. Collection method: curation. Allele origin: germline.
Comment: The TSC1 c.3130G>A (p.E1044K) variant has been reported in at least one individual with multiple primary malignancies, including papillary renal cell carcinoma (PMID: 26786560). It was not observed in the large and broad cohorts of the Genome Aggregation Database (PMID: 32461654). The variant has been reported in ClinVar (Variation ID 207641). In silico tools suggest the impact of the variant on protein function is inconclusive, though these predictions have not been confirmed by functional studies. The evidence is insufficient to meet ACMG/AMP criteria for classifying the variant as benign or pathogenic. Thus, the clinical significance of this variant is currently uncertain.

Victorian Clinical Genetics Services, Murdoch Childrens Research Institute
Classification: Uncertain significance for Tuberous sclerosis 1. Last evaluated: 2020-05-25. Review status: criteria provided, single submitter. Criteria: ACMG Guidelines, 2015. Collection method: clinical testing. Allele origin: germline. Inheritance: Autosomal dominant inheritance.
Comment: Based on the classification scheme VCGS_Germline_v1.1.1, this variant is classified as VOUS. Following criteria are met: 0102 - Loss-of-function is a known mechanism of disease for this gene. (N) 0107 - This gene is known to be associated with autosomal dominant disease. (N) 0200 - Variant is predicted to result in a missense amino acid change from glutamic acid to lysine. (N) 0251 - Variant is heterozygous. (N) 0301 - Variant is absent from gnomAD. (P) 0502 - Missense variant with conflicting in-silico predictions and/or uninformative conservation. (N) 0604 - Variant is not located in an established domain, motif, hotspot or informative constraint region. (N) 0705 - No comparable variants have previous evidence for pathogenicity. (N) 0807 - Variant has not previously been reported in a clinical context. (N) 0905 - No segregation evidence has been identified for this variant. (N) 1007 - No published functional evidence has been identified for this variant. (N)

GeneDx
Classification: Uncertain significance. Last evaluated: 2012-08-07. Review status: criteria provided, single submitter. Criteria: GeneDx Variant Classification (06012015). Collection method: clinical testing. Allele origin: germline. Affected: yes.
Comment: p.Glu1044Lys (GAG>AAG):c.3130 G>A in exon 23 of the TSC1 gene (NM_000368.3). The Glu1044Lys missense change has not been published as a mutation, nor has it been reported as a benign polymorphism to our knowledge. The NHLBI ESP Exome Variant Project has not identified Glu1044Lys in approximately 6,500 individuals of European or African American ethnicity, indicating that it is not a common benign variant in these populations. The amino acid substitution is non-conservative, as a negatively charged Glutamic acid residue is replaced by a positively charged Lysine residue. However, it alters a position in the protein that is not conserved, and multiple in silico algorithms predict Glu1044Lys is likely not pathogenic. Additionally, the vast majority of TSC1 mutations result in protein truncation, while missense mutations have been reported only rarely (Northrup et al., 2011; Au et al., 2007). Therefore, based on the currently available information, it is unclear whether Glu1044Lys is a disease-causing mutation or a rare benign variant. The variant is found in EPILEPSY panel(s).

Literature cited by the submitters: PubMed 26786560 (cited by Sema4).

NM_000368.5(TSC1):c.3130G>A (p.Glu1044Lys)

Gene: TSC1 (TSC complex subunit 1; minus strand). Cytogenetic location: 9q34.13.
Variant type: single nucleotide variant.
Coding change: c.3130G>A on transcript NM_000368.5 (MANE Select); coding-DNA position 3130, G replaced by A.
Protein change: p.Glu1044Lys; replaces glutamic acid 1044 with lysine.
Molecular consequence: missense variant.
Genome position (GRCh38, 1-based): chr9:132,896,600, C>T on the plus strand (G>A on the coding strand, the complement: TSC1 is on the minus strand). VCF-style: chr9-132896600-C-T. GRCh37 (hg19) VCF-style: chr9-135771987-C-T.
Other names: p.E1044K:GAG>AAG; c.3127G>A, p.Glu1043Lys (NM_001162426.2); c.2977G>A, p.Glu993Lys (NM_001162427.2); c.2767G>A, p.Glu923Lys (NM_001362177.2); short protein forms E1044K, E923K, E993K, E1043K.
Identifiers: ClinVar variation 207641 (VCV000207641.25), dbSNP rs796053462, ClinGen allele CA319317.